The following is an entry in ClinVar:

NM_006031.6(PCNT):c.8537C>T (p.Thr2846Met)

Gene: PCNT (pericentrin; plus strand). Cytogenetic location: 21q22.3.
Variant type: single nucleotide variant.
Coding change: c.8537C>T on transcript NM_006031.6 (MANE Select); coding-DNA position 8537, C replaced by T.
Protein change: p.Thr2846Met; replaces threonine 2846 with methionine.
Molecular consequence: missense variant. On other transcripts: intron variant (1).
Genome position (GRCh38, 1-based): chr21:46,432,001, C>T. VCF-style: chr21-46432001-C-T. GRCh37 (hg19) VCF-style: chr21-47851915-C-T.
Other names: c.8160+23C>T (NM_001315529.2); short protein forms T2846M.
Identifiers: ClinVar variation 1336845 (VCV001336845.7), dbSNP rs142800204, ClinGen allele CA10080986.

ClinVar aggregate classification (germline): Uncertain significance. Review status: criteria provided, multiple submitters, no conflicts (2 of 4 stars). 3 submissions from 3 submitters: Uncertain significance (3). Last evaluated 2025-09-08.

Conditions:
PCNT-related disorder. Also called: PCNT-related condition.
Inborn genetic diseases. Identifiers: MedGen C0950123, MeSH D030342.

Allele frequency attached by ClinVar (database versions not stated): TOPMed 0.00004; ESP Exome Variant Server 0.00008; gnomAD 0.00009; gnomAD exomes 0.00012 and 0.00014; ExAC 0.00014; 1000 Genomes Project 30x 0.00016; 1000 Genomes Project 0.00020.
gnomAD v4.1: 210 of 1,613,818 alleles (0.013%); highest among the groups gnomAD compares: South Asian, 0.045%; no homozygotes.

Submissions (3):

PreventionGenetics, part of Exact Sciences
Classification: Uncertain significance for PCNT-related condition. Last evaluated: 2025-09-08. Review status: criteria provided, single submitter. Criteria: ACMG Guidelines, 2015. Collection method: clinical testing. Allele origin: germline.
Comment: The PCNT c.8537C>T variant is predicted to result in the amino acid substitution p.Thr2846Met. To our knowledge, this variant has not been reported in the literature. This variant is reported in 0.072% of alleles in individuals of South Asian descent in gnomAD, which may be too common to be a primary cause of disease. Although we suspect that this variant may be benign, at this time, the clinical significance of this variant is uncertain due to the absence of conclusive functional and genetic evidence.

Ambry Genetics
Classification: Uncertain significance for Inborn genetic diseases. Last evaluated: 2024-08-14. Review status: criteria provided, single submitter. Criteria: Ambry Variant Classification Scheme 2023. Collection method: clinical testing. Allele origin: germline.

Genetic Services Laboratory, University of Chicago
Classification: Uncertain significance. Last evaluated: 2018-12-24. Review status: criteria provided, single submitter. Criteria: ACMG Guidelines, 2015. Collection method: clinical testing. Allele origin: germline. Affected: no.